The following is an entry in ClinVar:

ClinVar aggregate classification (germline): Likely benign. Review status: criteria provided, multiple submitters, no conflicts (2 of 4 stars). 2 submissions from 2 submitters: Likely benign (2). Last evaluated 2026-01-01.

Allele frequency attached by ClinVar (database versions not stated): gnomAD 0.00001; TOPMed 0.00001; ESP Exome Variant Server 0.00008.
gnomAD v4.1: 17 of 1,613,876 alleles (0.0011%); highest among the groups gnomAD compares: Admixed American, 0.01%; no homozygotes.

Submissions (2):

CeGaT Center for Human Genetics Tuebingen
Classification: Likely benign. Last evaluated: 2026-01-01. Review status: criteria provided, single submitter. Criteria: CeGaT Center For Human Genetics Tuebingen Variant Classification Criteria Version 2. Collection method: clinical testing. Allele origin: germline. Affected: yes. Observed: 1 variant allele.
Comment: POLR3A: BP4, BP7

Labcorp Genetics (formerly Invitae), Labcorp
Classification: Likely benign. Last evaluated: 2025-11-12. Review status: criteria provided, single submitter. Criteria: Invitae Variant Classification Sherloc (09022015). Collection method: clinical testing. Allele origin: germline.

NM_007055.4(POLR3A):c.3798G>A (p.Thr1266=)

Gene: POLR3A (RNA polymerase III subunit A; minus strand). Cytogenetic location: 10q22.3.
Variant type: single nucleotide variant.
Coding change: c.3798G>A on transcript NM_007055.4 (MANE Select); coding-DNA position 3798, G replaced by A.
Protein change: p.Thr1266=; no amino-acid change (threonine 1266 retained).
Molecular consequence: synonymous variant.
Genome position (GRCh38, 1-based): chr10:77,981,521, C>T on the plus strand (G>A on the coding strand, the complement: POLR3A is on the minus strand). VCF-style: chr10-77981521-C-T. GRCh37 (hg19) VCF-style: chr10-79741279-C-T.
Identifiers: ClinVar variation 1636412 (VCV001636412.12), dbSNP rs367653979, ClinGen allele CA5570691.